The following is an entry in ClinVar:

ClinVar aggregate classification (germline): Uncertain significance (1 of 4 stars; one submission).

Conditions:
Combined immunodeficiency due to LRBA deficiency. Also called: Common variable immunodeficiency 8, with autoimmunity. Identifiers: Orphanet 445018, MedGen C3553512, MONDO:0013863, OMIM 614700.

Submission:

Labcorp Genetics (formerly Invitae), Labcorp
Classification: Uncertain significance for Combined immunodeficiency due to LRBA deficiency. Last evaluated: 2022-08-12. Review status: criteria provided, single submitter. Criteria: Invitae Variant Classification Sherloc (09022015). Collection method: clinical testing. Allele origin: germline.
Comment: This sequence change replaces histidine, which is basic and polar, with arginine, which is basic and polar, at codon 1476 of the LRBA protein (p.His1476Arg). This variant is not present in population databases (gnomAD no frequency). This variant has not been reported in the literature in individuals affected with LRBA-related conditions. Algorithms developed to predict the effect of missense changes on protein structure and function (SIFT, PolyPhen-2, Align-GVGD) all suggest that this variant is likely to be tolerated. In summary, the available evidence is currently insufficient to determine the role of this variant in disease. Therefore, it has been classified as a Variant of Uncertain Significance.

NM_001364905.1(LRBA):c.4427A>G (p.His1476Arg)

Gene: LRBA (LPS responsive beige-like anchor protein; minus strand). Cytogenetic location: 4q31.3.
Variant type: single nucleotide variant.
Coding change: c.4427A>G on transcript NM_001364905.1 (MANE Select); coding-DNA position 4427, A replaced by G.
Protein change: p.His1476Arg; replaces histidine 1476 with arginine.
Molecular consequence: missense variant.
Genome position (GRCh38, 1-based): chr4:150,844,692, T>C on the plus strand (A>G on the coding strand, the complement: LRBA is on the minus strand). VCF-style: chr4-150844692-T-C. GRCh37 (hg19) VCF-style: chr4-151765844-T-C.
Other names: c.4427A>G, p.His1476Arg (NM_001199282.3, NM_001367550.1, NM_006726.5); short protein forms H1476R.
Identifiers: ClinVar variation 2015947 (VCV002015947.1), dbSNP rs2546474655, ClinGen allele CA358450849.